The following is an entry in ClinVar:

NM_001001331.4(ATP2B2):c.2030G>A (p.Arg677His)

Gene: ATP2B2 (ATPase plasma membrane Ca2+ transporting 2; minus strand). Cytogenetic location: 3p25.3.
Variant type: single nucleotide variant.
Coding change: c.2030G>A on transcript NM_001001331.4 (MANE Select); coding-DNA position 2030, G replaced by A.
Protein change: p.Arg677His; replaces arginine 677 with histidine.
Molecular consequence: missense variant.
Genome position (GRCh38, 1-based): chr3:10,358,797, C>T on the plus strand (G>A on the coding strand, the complement: ATP2B2 is on the minus strand). VCF-style: chr3-10358797-C-T. GRCh37 (hg19) VCF-style: chr3-10400481-C-T.
Other names: c.1895G>A, p.Arg632His (NM_001330611.3, NM_001353564.1, NM_001363862.1 and 2 more transcripts); c.1937G>A, p.Arg646His (NM_001438646.1); short protein forms R632H, R646H, R677H.
Identifiers: ClinVar variation 4891158 (VCV004891158.1).

ClinVar aggregate classification (germline): Uncertain significance (1 of 4 stars; one submission).

gnomAD v4.1: 1 of 1,614,118 alleles (0.000062%); highest among the groups gnomAD compares: Admixed American, 0.0017%; no homozygotes.

Submission:

Greenwood Genetic Center Diagnostic Laboratories, Greenwood Genetic Center
Classification: Uncertain significance. Last evaluated: 2026-06-17. Review status: criteria provided, single submitter. Criteria: ACMG Guidelines, 2015. Collection method: clinical testing. Allele origin: germline.
Comment: PM2, PP2, PP3